The following is an entry in ClinVar:

NM_024996.7(GFM1):c.2041G>C (p.Val681Leu)

Gene: GFM1 (G elongation factor mitochondrial 1; plus strand). Cytogenetic location: 3q25.32.
Variant type: single nucleotide variant.
Coding change: c.2041G>C on transcript NM_024996.7 (MANE Select); coding-DNA position 2041, G replaced by C.
Protein change: p.Val681Leu; replaces valine 681 with leucine.
Molecular consequence: missense variant. On other transcripts: non-coding transcript variant (4).
Genome position (GRCh38, 1-based): chr3:158,690,294, G>C. VCF-style: chr3-158690294-G-C. GRCh37 (hg19) VCF-style: chr3-158408083-G-C.
Other names: c.2098G>C, p.Val700Leu (NM_001308164.2); c.1960G>C, p.Val654Leu (NM_001374355.1); c.1924G>C, p.Val642Leu (NM_001374356.1); c.1816G>C, p.Val606Leu (NM_001374357.1); c.1582G>C, p.Val528Leu (NM_001374358.1); c.1474G>C, p.Val492Leu (NM_001374359.1, NM_001374360.1); c.1357G>C, p.Val453Leu (NM_001374361.1); short protein forms V654L, V453L, V606L, V700L, V492L, V528L, V642L, V681L.
Identifiers: ClinVar variation 2719646 (VCV002719646.3), dbSNP rs745312855, ClinGen allele CA355182667.

ClinVar aggregate classification (germline): Uncertain significance (1 of 4 stars; one submission).

Submission:

Labcorp Genetics (formerly Invitae), Labcorp
Classification: Uncertain significance. Last evaluated: 2023-08-24. Review status: criteria provided, single submitter. Criteria: Invitae Variant Classification Sherloc (09022015). Collection method: clinical testing. Allele origin: germline.
Comment: In summary, the available evidence is currently insufficient to determine the role of this variant in disease. Therefore, it has been classified as a Variant of Uncertain Significance. Advanced modeling of protein sequence and biophysical properties (such as structural, functional, and spatial information, amino acid conservation, physicochemical variation, residue mobility, and thermodynamic stability) performed at Invitae indicates that this missense variant is not expected to disrupt GFM1 protein function. This variant has not been reported in the literature in individuals affected with GFM1-related conditions. This variant is not present in population databases (gnomAD no frequency). This sequence change replaces valine, which is neutral and non-polar, with leucine, which is neutral and non-polar, at codon 681 of the GFM1 protein (p.Val681Leu).